The following is an entry in ClinVar:

ClinVar aggregate classification (germline): Uncertain significance. Review status: criteria provided, multiple submitters, no conflicts (2 of 4 stars). 3 submissions from 3 submitters: Uncertain significance (3). Last evaluated 2026-06-10.

Conditions:
MARS1-related disorder. Also called: MARS1-related condition.
Severe early-onset pulmonary alveolar proteinosis due to MARS deficiency. Also called: PULMONARY ALVEOLAR PROTEINOSIS, REUNION ISLAND; Interstitial lung and liver disease. Identifiers: Orphanet 440427, MedGen C4225400, MONDO:0014206, OMIM 615486.
Charcot-Marie-Tooth disease axonal type 2U. Also called: CHARCOT-MARIE-TOOTH NEUROPATHY, TYPE 2U; CHARCOT-MARIE-TOOTH DISEASE, AXONAL, AUTOSOMAL DOMINANT, TYPE 2U. Identifiers: Orphanet 397735, MedGen C4084821, MONDO:0014566, OMIM 616280.

Allele frequency attached by ClinVar (database versions not stated): gnomAD exomes 0.00002; TOPMed 0.00002; gnomAD 0.00003; ExAC 0.00004; ESP Exome Variant Server 0.00008.
gnomAD v4.1: 148 of 1,613,760 alleles (0.0092%); highest among the groups gnomAD compares: Non-Finnish European, 0.012%; no homozygotes.

Submissions (3):

PreventionGenetics, part of Exact Sciences
Classification: Uncertain significance for MARS1-related condition. Last evaluated: 2026-06-10. Review status: criteria provided, single submitter. Criteria: ACMG Guidelines, 2015. Collection method: clinical testing. Allele origin: germline.
Comment: The MARS1 c.228G>T variant is predicted to result in the amino acid substitution p.Glu76Asp. To our knowledge, this variant has not been reported in the literature. This variant is reported in 0.0062% of alleles in individuals of African descent in gnomAD. At this time, the clinical significance of this variant is uncertain due to the absence of conclusive functional and genetic evidence.

Labcorp Genetics (formerly Invitae), Labcorp
Classification: Uncertain significance for Charcot-Marie-Tooth disease axonal type 2U; Severe early-onset pulmonary alveolar proteinosis due to MARS deficiency. Last evaluated: 2025-05-18. Review status: criteria provided, single submitter. Criteria: Invitae Variant Classification Sherloc (09022015). Collection method: clinical testing. Allele origin: germline.
Comment: This sequence change replaces glutamic acid, which is acidic and polar, with aspartic acid, which is acidic and polar, at codon 76 of the MARS protein (p.Glu76Asp). This variant is present in population databases (rs369313141, gnomAD 0.007%). This variant has not been reported in the literature in individuals affected with MARS-related conditions. ClinVar contains an entry for this variant (Variation ID: 618205). An algorithm developed to predict the effect of missense changes on protein structure and function (PolyPhen-2) suggests that this variant is likely to be tolerated. In summary, the available evidence is currently insufficient to determine the role of this variant in disease. Therefore, it has been classified as a Variant of Uncertain Significance.

ARUP Laboratories, Molecular Genetics and Genomics, ARUP Laboratories
Classification: Uncertain significance. Last evaluated: 2018-01-22. Review status: criteria provided, single submitter. Criteria: ARUP Molecular Germline Variant Investigation Process. Collection method: clinical testing. Allele origin: germline.
Comment: The MARS c.228G>T; p.Glu76Asp variant (rs369313141), to our knowledge, is not reported in the medical literature, gene specific variation databases, nor has it been previously identified by our laboratory. This variant is listed in the genome Aggregation Database (gnomAD) with an overall population frequency of 0.002% (identified on 5 out of 246,264 chromosomes). The glutamic acid at position 76 is moderately conserved, considering 12 species, and computational analyses of the effects of the p.Glu76Asp variant on protein structure and function do not predict a deleterious effect (SIFT: tolerated, MutationTaster: polymorphism, PolyPhen-2: benign). Based on the available information, the clinical significance of the p.Glu76Asp variant cannot be determined with certainty.

NM_004990.4(MARS1):c.228G>T (p.Glu76Asp)

Gene: MARS1 (methionyl-tRNA synthetase 1; plus strand). Cytogenetic location: 12q13.3.
Variant type: single nucleotide variant.
Coding change: c.228G>T on transcript NM_004990.4 (MANE Select); coding-DNA position 228, G replaced by T.
Protein change: p.Glu76Asp; replaces glutamic acid 76 with aspartic acid.
Molecular consequence: missense variant.
Genome position (GRCh38, 1-based): chr12:57,489,294, G>T. VCF-style: chr12-57489294-G-T. GRCh37 (hg19) VCF-style: chr12-57883077-G-T.
Other names: short protein forms E76D.
Identifiers: ClinVar variation 618205 (VCV000618205.17), dbSNP rs369313141, ClinGen allele CA6650102.
Genomic context (GRCh38, chr12:57,489,294, plus strand): 5'-AAGTCCATCATCTGTTGCTCTCTCTCTGGGCAGATATTTTTTTTTGTTATCTGGCTGGGA[G>T]CAAGATGACCTCACTAACCAGTGGCTGGAATGGGAAGCGACAGAGCTGCAGGTAGGACTA-3'
Protein context (NP_004981.2, residues 66-86): CRYFFLLSGW[Glu76Asp]QDDLTNQWLE